The following is an entry in ClinVar:

ClinVar aggregate classification (germline): Uncertain significance (1 of 4 stars; one submission).

Allele frequency attached by ClinVar (database versions not stated): gnomAD exomes below 0.00001 and 0.00001.
gnomAD v4.1: 21 of 1,601,432 alleles (0.0013%); highest among the groups gnomAD compares: Non-Finnish European, 0.0017%; no homozygotes.

Submission:

Labcorp Genetics (formerly Invitae), Labcorp
Classification: Uncertain significance. Last evaluated: 2020-06-07. Review status: criteria provided, single submitter. Criteria: Invitae Variant Classification Sherloc (09022015). Collection method: clinical testing. Allele origin: germline.
Comment: This sequence change replaces lysine with glutamic acid at codon 111 of the CLUAP1 protein (p.Lys111Glu). The lysine residue is moderately conserved and there is a small physicochemical difference between lysine and glutamic acid. This variant is not present in population databases (ExAC no frequency). This variant has not been reported in the literature in individuals with CLUAP1-related conditions. Algorithms developed to predict the effect of missense changes on protein structure and function (SIFT, PolyPhen-2, Align-GVGD) all suggest that this variant is likely to be tolerated, but these predictions have not been confirmed by published functional studies and their clinical significance is uncertain. In summary, the available evidence is currently insufficient to determine the role of this variant in disease. Therefore, it has been classified as a Variant of Uncertain Significance.

NM_015041.3(CLUAP1):c.331A>G (p.Lys111Glu)

Gene: CLUAP1 (clusterin associated protein 1; plus strand). Cytogenetic location: 16p13.3.
Variant type: single nucleotide variant.
Coding change: c.331A>G on transcript NM_015041.3 (MANE Select); coding-DNA position 331, A replaced by G.
Protein change: p.Lys111Glu; replaces lysine 111 with glutamic acid.
Molecular consequence: missense variant.
Genome position (GRCh38, 1-based): chr16:3,508,400, A>G. VCF-style: chr16-3508400-A-G. GRCh37 (hg19) VCF-style: chr16-3558400-A-G.
Other names: c.331A>G, p.Lys111Glu (NM_001330454.2); short protein forms K111E.
Identifiers: ClinVar variation 1020016 (VCV001020016.9), dbSNP rs1180886023, ClinGen allele CA394512357.